The following is an entry in ClinVar:

NM_213653.4(HJV):c.295G>A (p.Gly99Arg)

Gene: HJV (hemojuvelin BMP co-receptor; minus strand). Cytogenetic location: 1q21.1.
Variant type: single nucleotide variant.
Coding change: c.295G>A on transcript NM_213653.4 (MANE Select); coding-DNA position 295, G replaced by A.
Protein change: p.Gly99Arg; replaces glycine 99 with arginine.
Molecular consequence: missense variant. On other transcripts: 5 prime UTR variant (1), intron variant (3).
Genome position (GRCh38, 1-based): chr1:146,019,537, C>T on the plus strand (G>A on the coding strand, the complement: HJV is on the minus strand). VCF-style: chr1-146019537-C-T. GRCh37 (hg19) VCF-style: chr1-145415476-G-A.
Other names: c.295G>A, p.Gly99Arg (NM_001379352.1); c.-45G>A (NM_145277.5); c.-21-837G>A (NM_213652.4); c.-22+161G>A (NM_202004.4, NM_001316767.2); short protein forms G99R.
Identifiers: ClinVar variation 1067426 (VCV001067426.11), dbSNP rs1553769745, ClinGen allele CA342142702.

ClinVar aggregate classification (germline): Pathogenic/Likely pathogenic. Review status: criteria provided, multiple submitters, no conflicts (2 of 4 stars). 2 submissions from 2 submitters: Pathogenic (1); Likely pathogenic (1). Last evaluated 2025-04-02.

Conditions:
Hemochromatosis type 2A (HFE2A). Also called: Adult-Onset Hemochromatosis; HJV (HFE2)-Related Juvenile Hemochromatosis. Identifiers: Orphanet 79230, MedGen C1865614, MONDO:0011216, OMIM 602390.

Submissions (2):

Women's Health and Genetics/Laboratory Corporation of America, LabCorp
Classification: Pathogenic for Hemochromatosis type 2A. Last evaluated: 2025-04-02. Review status: criteria provided, single submitter. Criteria: LabCorp Variant Classification Summary - May 2015. Collection method: clinical testing. Allele origin: germline.
Comment: Variant summary: HJV c.295G>A (p.Gly99Arg) results in a non-conservative amino acid change in the encoded protein sequence. Three of three in-silico tools predict a damaging effect of the variant on protein function. The variant was absent in 1612888 control chromosomes. c.295G>A has been reported in the homozygous or presumed compound heterozygous state in the literature in multiple individuals affected with Hemochromatosis Type 2A (example, Lanzara_2004, Lok_2009, Morris_2013). These data indicate that the variant is likely to be associated with disease. To our knowledge, no experimental evidence demonstrating an impact on protein function has been reported. A different pathogenic variant affecting the same codon has been reported in the literature (p.Gly99Val), supporting the critical relevance of codon 99 to HJV protein function (PMID: 14647275, 172643002, 18287331, 18827264). The following publications have been ascertained in the context of this evaluation (PMID: 14982873, 19342478, 22328543). ClinVar contains an entry for this variant (Variation ID: 1067426). Based on the evidence outlined above, the variant was classified as pathogenic.

Labcorp Genetics (formerly Invitae), Labcorp
Classification: Likely pathogenic. Last evaluated: 2020-10-19. Review status: criteria provided, single submitter. Criteria: Invitae Variant Classification Sherloc (09022015). Collection method: clinical testing. Allele origin: germline.
Comment: In summary, the currently available evidence indicates that the variant is pathogenic, but additional data are needed to prove that conclusively. Therefore, this variant has been classified as Likely Pathogenic. This variant disrupts the p.Gly99 amino acid residue in HJV. Other variant(s) that disrupt this residue have been observed in individuals with HJV-related conditions (PMID: 14647275), which suggests that this may be a clinically significant amino acid residue. Algorithms developed to predict the effect of sequence changes on RNA splicing suggest that this variant may create or strengthen a splice site, but this prediction has not been confirmed by published transcriptional studies. Algorithms developed to predict the effect of missense changes on protein structure and function are either unavailable or do not agree on the potential impact of this missense change (SIFT: "Deleterious"; PolyPhen-2: "Probably Damaging"; Align-GVGD: "Class C15"). This variant has been observed in individual(s) with hereditary hemochromatosis (PMID: 14982873, 19342478). This variant is not present in population databases (ExAC no frequency). This sequence change replaces glycine with arginine at codon 99 of the HJV protein (p.Gly99Arg). The glycine residue is highly conserved and there is a moderate physicochemical difference between glycine and arginine.

Literature cited by the submitters: PubMed 14982873 (cited by Women's Health and Genetics/Laboratory Corporation of America, LabCorp and Labcorp Genetics (formerly Invitae), Labcorp); PubMed 19342478 (cited by Women's Health and Genetics/Laboratory Corporation of America, LabCorp and Labcorp Genetics (formerly Invitae), Labcorp); PubMed 22328543 (cited by Women's Health and Genetics/Laboratory Corporation of America, LabCorp); PubMed 14647275 (cited by Labcorp Genetics (formerly Invitae), Labcorp).